The following is an entry in ClinVar:

ClinVar aggregate classification (germline): Uncertain significance. Review status: criteria provided, multiple submitters, no conflicts (2 of 4 stars). 2 submissions from 2 submitters: Uncertain significance (2). Last evaluated 2023-10-04.

Conditions:
LZTR1-related disorder. Also called: LZTR1-related disorders; LZTR1-related condition.

Submissions (2):

PreventionGenetics, part of Exact Sciences
Classification: Uncertain significance for LZTR1-related condition. Last evaluated: 2023-10-04. Review status: criteria provided, single submitter. Criteria: ACMG Guidelines, 2015. Collection method: clinical testing. Allele origin: germline.
Comment: The LZTR1 c.524G>T variant is predicted to result in the amino acid substitution p.Arg175Met. To our knowledge, this variant has not been reported in the literature or in a large population database, indicating this variant is rare. At this time, the clinical significance of this variant is uncertain due to the absence of conclusive functional and genetic evidence.

Women's Health and Genetics/Laboratory Corporation of America, LabCorp
Classification: Uncertain significance. Last evaluated: 2020-06-22. Review status: criteria provided, single submitter. Criteria: LabCorp Variant Classification Summary - May 2015. Collection method: clinical testing. Allele origin: germline.
Comment: Variant summary: LZTR1 c.524G>T (p.Arg175Met) results in a non-conservative amino acid change located in the Kelch repeat type 1 (IPR006652) of the encoded protein sequence. Four of five in-silico tools predict a damaging effect of the variant on protein function. The variant was absent in 251326 control chromosomes. The available data on variant occurrences in the general population are insufficient to allow any conclusion about variant significance. To our knowledge, no occurrence of c.524G>T in individuals affected with Noonan Syndrome And Related Conditions and no experimental evidence demonstrating its impact on protein function have been reported. No clinical diagnostic laboratories have submitted clinical-significance assessments for this variant to ClinVar after 2014. Based on the evidence outlined above, the variant was classified as uncertain significance.

NM_006767.4(LZTR1):c.524G>T (p.Arg175Met)

Gene: LZTR1 (leucine zipper like post translational regulator 1; plus strand). Cytogenetic location: 22q11.21.
Variant type: single nucleotide variant.
Coding change: c.524G>T on transcript NM_006767.4 (MANE Select); coding-DNA position 524, G replaced by T.
Protein change: p.Arg175Met; replaces arginine 175 with methionine.
Molecular consequence: missense variant.
Genome position (GRCh38, 1-based): chr22:20,988,803, G>T. VCF-style: chr22-20988803-G-T. GRCh37 (hg19) VCF-style: chr22-21343092-G-T.
Other names: short protein forms R175M.
Identifiers: ClinVar variation 933177 (VCV000933177.2), dbSNP rs1924495083, ClinGen allele CA410780103.